The following is an entry in ClinVar:

ClinVar aggregate classification (germline): Uncertain significance (1 of 4 stars; one submission).

Submission:

GeneDx
Classification: Uncertain significance. Last evaluated: 2022-12-13. Review status: criteria provided, single submitter. Criteria: GeneDx Variant Classification Process June 2021. Collection method: clinical testing. Allele origin: germline. Affected: yes.
Comment: Not observed at significant frequency in large population cohorts (gnomAD); In silico analysis supports that this missense variant has a deleterious effect on protein structure/function; Has not been previously published as pathogenic or benign to our knowledge

NM_004606.5(TAF1):c.1439G>T (p.Arg480Leu)

Gene: TAF1 (TATA-box binding protein associated factor 1; plus strand). Cytogenetic location: Xq13.1.
Variant type: single nucleotide variant.
Coding change: c.1439G>T on transcript NM_004606.5 (MANE Select); coding-DNA position 1439, G replaced by T.
Protein change: p.Arg480Leu; replaces arginine 480 with leucine.
Molecular consequence: missense variant. On other transcripts: non-coding transcript variant (9).
Genome position (GRCh38, 1-based): chrX:71,381,821, G>T. VCF-style: chrX-71381821-G-T. GRCh37 (hg19) VCF-style: chrX-70601671-G-T.
Other names: c.1439G>T, p.Arg480Leu (NM_001286074.2); c.1376G>T, p.Arg459Leu (NM_138923.4); short protein forms R459L, R480L.
Identifiers: ClinVar variation 2505938 (VCV002505938.1), dbSNP rs756449021, ClinGen allele CA413512774.